The following is an entry in ClinVar:

NM_152732.5(RSPH9):c.760C>T (p.Arg254Cys)

Gene: RSPH9 (radial spoke head component 9; plus strand). Cytogenetic location: 6p21.1.
Variant type: single nucleotide variant.
Coding change: c.760C>T on transcript NM_152732.5 (MANE Select); coding-DNA position 760, C replaced by T.
Protein change: p.Arg254Cys; replaces arginine 254 with cysteine.
Molecular consequence: missense variant. On other transcripts: non-coding transcript variant (2).
Genome position (GRCh38, 1-based): chr6:43,670,878, C>T. VCF-style: chr6-43670878-C-T. GRCh37 (hg19) VCF-style: chr6-43638615-C-T.
Other names: c.812C>T, p.Pro271Leu (NM_001193341.2); c.857C>T, p.Pro286Leu (NM_001424119.1); c.715C>T, p.Arg239Cys (NM_001424120.1); short protein forms R254C, P271L, P286L, R239C.
Identifiers: ClinVar variation 454994 (VCV000454994.16), dbSNP rs200193470, ClinGen allele CA3828411.
Genomic context (GRCh38, chr6:43,670,878, plus strand): 5'-AATGCCCTGGTGGTGCTGCGCAGCCTGCTCTGGCCGGGCCTCACCTTCTACCATGCTCCC[C>T]GCACCAAGAACTATGGCTACGTCTACGTGGGCACTGGCGAGAAGAACATGGACTTGCCCT-3'
Protein context (NP_689945.2, residues 244-264): WPGLTFYHAP[Arg254Cys]TKNYGYVYVG

ClinVar aggregate classification (germline): Uncertain significance. Review status: criteria provided, multiple submitters, no conflicts (2 of 4 stars). 3 submissions from 3 submitters: Uncertain significance (3). Last evaluated 2025-04-28.

Conditions:
Primary ciliary dyskinesia. Also called: Ciliary dyskinesia. Identifiers: Orphanet 244, MedGen C0008780, MONDO:0016575, HP:0012265.
Primary ciliary dyskinesia 12. Also called: CILIARY DYSKINESIA, PRIMARY, 12, WITHOUT SITUS INVERSUS. Identifiers: Orphanet 244, MedGen C2675228, MONDO:0012979, OMIM 612650.

Allele frequency attached by ClinVar (database versions not stated): gnomAD 0.00004 and 0.00005; gnomAD exomes 0.00004 and 0.00006; TOPMed 0.00006; ExAC 0.00007; ESP Exome Variant Server 0.00008.
gnomAD v4.1: 93 of 1,614,210 alleles (0.0058%); highest among the groups gnomAD compares: East Asian, 0.049%; no homozygotes.

Submissions (3):

Ambry Genetics
Classification: Uncertain significance for Primary ciliary dyskinesia. Last evaluated: 2025-04-28. Review status: criteria provided, single submitter. Criteria: Ambry Variant Classification Scheme 2023. Collection method: clinical testing. Allele origin: germline.

Labcorp Genetics (formerly Invitae), Labcorp
Classification: Uncertain significance for Primary ciliary dyskinesia. Last evaluated: 2024-10-15. Review status: criteria provided, single submitter. Criteria: Invitae Variant Classification Sherloc (09022015). Collection method: clinical testing. Allele origin: germline.
Comment: This sequence change replaces arginine, which is basic and polar, with cysteine, which is neutral and slightly polar, at codon 254 of the RSPH9 protein (p.Arg254Cys). This variant is present in population databases (rs200193470, gnomAD 0.03%). This variant has not been reported in the literature in individuals affected with RSPH9-related conditions. ClinVar contains an entry for this variant (Variation ID: 454994). An algorithm developed to predict the effect of missense changes on protein structure and function (PolyPhen-2) suggests that this variant¬†is likely to be tolerated. In summary, the available evidence is currently insufficient to determine the role of this variant in disease. Therefore, it has been classified as a Variant of Uncertain Significance.

Illumina Laboratory Services, Illumina
Classification: Uncertain significance for Primary ciliary dyskinesia 12. Last evaluated: 2018-01-12. Review status: criteria provided, single submitter. Criteria: ICSL Variant Classification Criteria 13 December 2019. Collection method: clinical testing. Allele origin: germline.